The following is an entry in ClinVar:

ClinVar aggregate classification (germline): Uncertain significance. Review status: criteria provided, multiple submitters, no conflicts (2 of 4 stars). 2 submissions from 2 submitters: Uncertain significance (2). Last evaluated 2023-03-13.

Conditions:
Developmental and epileptic encephalopathy, 34 (DEE34). Also called: SLC12A5-Related Epilepsy of Infancy with Migrating Focal Seizures; Early infantile epileptic encephalopathy 34. Identifiers: Orphanet 293181, MedGen C4225257, MONDO:0014718, OMIM 616645.

Allele frequency attached by ClinVar (database versions not stated): TOPMed below 0.00001; gnomAD 0.00001.
gnomAD v4.1: 2 of 1,614,042 alleles (0.00012%); highest among the groups gnomAD compares: Non-Finnish European, 0.00017%; no homozygotes.

Submissions (2):

Greenwood Genetic Center Diagnostic Laboratories, Greenwood Genetic Center
Classification: Uncertain significance. Last evaluated: 2023-03-13. Review status: criteria provided, single submitter. Criteria: ACMG Guidelines, 2015. Collection method: clinical testing. Allele origin: germline. Affected: yes.
Comment: PM2

Labcorp Genetics (formerly Invitae), Labcorp
Classification: Uncertain significance for Developmental and epileptic encephalopathy, 34. Last evaluated: 2021-10-07. Review status: criteria provided, single submitter. Criteria: Invitae Variant Classification Sherloc (09022015). Collection method: clinical testing. Allele origin: germline.
Comment: This sequence change replaces alanine with threonine at codon 306 of the SLC12A5 protein (p.Ala306Thr). The alanine residue is weakly conserved and there is a small physicochemical difference between alanine and threonine. This variant is not present in population databases (ExAC no frequency). This variant has not been reported in the literature in individuals affected with SLC12A5-related conditions. Advanced modeling of protein sequence and biophysical properties (such as structural, functional, and spatial information, amino acid conservation, physicochemical variation, residue mobility, and thermodynamic stability) performed at Invitae indicates that this missense variant is not expected to disrupt SLC12A5 protein function. In summary, the available evidence is currently insufficient to determine the role of this variant in disease. Therefore, it has been classified as a Variant of Uncertain Significance.

NM_020708.5(SLC12A5):c.916G>A (p.Ala306Thr)

Gene: SLC12A5 (solute carrier family 12 member 5; plus strand). Cytogenetic location: 20q13.12.
Variant type: single nucleotide variant.
Coding change: c.916G>A on transcript NM_020708.5 (MANE Select); coding-DNA position 916, G replaced by A.
Protein change: p.Ala306Thr; replaces alanine 306 with threonine.
Molecular consequence: missense variant.
Genome position (GRCh38, 1-based): chr20:46,041,390, G>A. VCF-style: chr20-46041390-G-A. GRCh37 (hg19) VCF-style: chr20-44670029-G-A.
Other names: c.985G>A, p.Ala329Thr (NM_001134771.2); short protein forms A329T, A306T.
Identifiers: ClinVar variation 1419474 (VCV001419474.3), dbSNP rs2084545554, ClinGen allele CA409190278.
Genomic context (GRCh38, chr20:46,041,390, plus strand): 5'-ATCTGCCTCCTGGGTAACCGCACGCTGTCTCGCCATGGCTTTGATGTCTGTGCCAAGCTG[G>A]CTTGGGAAGGAAATGAGACGGTGACCACACGGCTATGGGGCCTTTTCTGCTCCTCTCGCT-3'
Protein context (NP_065759.1, residues 296-316): RHGFDVCAKL[Ala306Thr]WEGNETVTTR